The following is an entry in ClinVar:

NM_000152.5(GAA):c.235C>T (p.Pro79Ser)

Gene: GAA (alpha glucosidase; plus strand). Cytogenetic location: 17q25.3.
Variant type: single nucleotide variant.
Coding change: c.235C>T on transcript NM_000152.5 (MANE Select); coding-DNA position 235, C replaced by T.
Protein change: p.Pro79Ser; replaces proline 79 with serine.
Molecular consequence: missense variant.
Genome position (GRCh38, 1-based): chr17:80,104,821, C>T. VCF-style: chr17-80104821-C-T. GRCh37 (hg19) VCF-style: chr17-78078620-C-T.
Other names: c.235C>T, p.Pro79Ser (NM_001079803.3, NM_001079804.3); short protein forms P79S.
Identifiers: ClinVar variation 1024896 (VCV001024896.9), dbSNP rs756342288, ClinGen allele CA8814819.
Genomic context (GRCh38, chr17:80,104,821, plus strand): 5'-GGAGCCAGCAGACCAGGGCCCCGGGATGCCCAGGCACACCCCGGCCGTCCCAGAGCAGTG[C>T]CCACACAGTGCGACGTCCCCCCCAACAGCCGCTTCGATTGCGCCCCTGACAAGGCCATCA-3'
Protein context (NP_000143.2, residues 69-89): QAHPGRPRAV[Pro79Ser]TQCDVPPNSR

ClinVar aggregate classification (germline): Uncertain significance (1 of 4 stars; one submission).

Conditions:
Glycogen storage disease, type II (IOPD). Also called: Glycogen storage disease type 2; Acid maltase deficiency disease; Aglucosidase alfa; Deficiency of alpha-glucosidase; Deficiency of lysosomal alpha-glucosidase; GSD II. Identifiers: Orphanet 365, MedGen C0017921, MONDO:0009290, OMIM 232300.

Allele frequency attached by ClinVar (database versions not stated): gnomAD exomes below 0.00001; ExAC 0.00001.

Submission:

Labcorp Genetics (formerly Invitae), Labcorp
Classification: Uncertain significance for Glycogen storage disease, type II. Last evaluated: 2022-02-03. Review status: criteria provided, single submitter. Criteria: Invitae Variant Classification Sherloc (09022015). Collection method: clinical testing. Allele origin: germline.
Comment: In summary, the available evidence is currently insufficient to determine the role of this variant in disease. Therefore, it has been classified as a Variant of Uncertain Significance. Advanced modeling of protein sequence and biophysical properties (such as structural, functional, and spatial information, amino acid conservation, physicochemical variation, residue mobility, and thermodynamic stability) performed at Invitae indicates that this missense variant is not expected to disrupt GAA protein function. ClinVar contains an entry for this variant (Variation ID: 1024896). This variant has not been reported in the literature in individuals affected with GAA-related conditions. This variant is present in population databases (rs756342288, gnomAD 0.006%). This sequence change replaces proline, which is neutral and non-polar, with serine, which is neutral and polar, at codon 79 of the GAA protein (p.Pro79Ser).